The following is an entry in ClinVar:

NM_000051.4(ATM):c.1219T>A (p.Phe407Ile)

Gene: ATM (ATM serine/threonine kinase; plus strand). Cytogenetic location: 11q22.3.
Variant type: single nucleotide variant.
Coding change: c.1219T>A on transcript NM_000051.4 (MANE Select); coding-DNA position 1219, T replaced by A.
Protein change: p.Phe407Ile; replaces phenylalanine 407 with isoleucine.
Molecular consequence: missense variant.
Genome position (GRCh38, 1-based): chr11:108,249,086, T>A. VCF-style: chr11-108249086-T-A. GRCh37 (hg19) VCF-style: chr11-108119813-T-A.
Other names: c.1219T>A, p.Phe407Ile (NM_001351834.2); short protein forms F407I.
Identifiers: ClinVar variation 5020476 (VCV005020476.1).

ClinVar aggregate classification (germline): Uncertain significance (1 of 4 stars; one submission).

Conditions:
ATM-related cancer predisposition. Also called: ATM-related cancer susceptibility. Identifiers: MedGen CN377759, MONDO:0700270.

Submission:

Dasa
Classification: Uncertain significance for ATM-related cancer predisposition. Last evaluated: 2026-05-26. Review status: criteria provided, single submitter. Criteria: DASA Assertion Criteria. Collection method: clinical testing. Allele origin: germline.
Comment: NM_000051.4(ATM):c.1219T>A (p.Phe407Ile) is a missense variant that results in the substitution of phenylalanine with isoleucine. This variant is rare in population databases. Computational prediction algorithms are consistent with a benign effect. The currently available literature and clinical evidence are not sufficient to establish a definitive association between this variant and the reported condition. Therefore, this variant is classified as a variant of uncertain significance.